The following is an entry in ClinVar:

NM_000045.4(ARG1):c.373G>C (p.Ala125Pro)

Genes: ARG1 (arginase 1; plus strand), MED23 (mediator complex subunit 23; minus strand). Cytogenetic location: 6q23.2.
Variant type: single nucleotide variant.
Coding change: c.373G>C on transcript NM_000045.4 (MANE Select); coding-DNA position 373, G replaced by C.
Protein change: p.Ala125Pro; replaces alanine 125 with proline.
Molecular consequence: missense variant. On other transcripts: non-coding transcript variant (1), intron variant (3).
Genome position (GRCh38, 1-based): chr6:131,581,286, G>C. VCF-style: chr6-131581286-G-C. GRCh37 (hg19) VCF-style: chr6-131902426-G-C.
Other names: c.397G>C, p.Ala133Pro (NM_001244438.2); c.306-1774G>C (NM_001369020.1); c.4077+6423C>G (NM_001270521.2); c.4095+6423C>G (NM_015979.4); short protein forms A125P, A133P.
Identifiers: ClinVar variation 4888008 (VCV004888008.1).
Genomic context (GRCh38, chr6:131,581,286, plus strand): 5'-ATTGGAAGCATCTCTGGCCATGCCAGGGTCCACCCTGATCTTGGAGTCATCTGGGTGGAT[G>C]CTCACACTGATATCAACACTCCACTGACAACCACAAGTGGAAACTTGCATGGACAACCTG-3'
Protein context (NP_000036.2, residues 115-135): HPDLGVIWVD[Ala125Pro]HTDINTPLTT

ClinVar aggregate classification (germline): Likely pathogenic (1 of 4 stars; one submission).

Conditions:
Arginase deficiency. Also called: ARGININEMIA; ARG1 DEFICIENCY; Arginase 1 Deficiency. Identifiers: Orphanet 90, MedGen C0268548, MONDO:0008814, OMIM 207800.

Submission:

Centrogen, Centro de Genomica y Genetica Clinica Guatemala
Classification: Likely pathogenic for Arginase deficiency. Last evaluated: 2025-10-25. Review status: criteria provided, single submitter. Criteria: CENTROGEN Variant Classification V1 Aug 2026. Collection method: provider interpretation. Allele origin: biparental. Affected: yes. Observed: 1 variant allele, 1 compound heterozygote. Segregation with disease not observed.
Comment: NM_001244438.1:c.397G>C is a missense change in ARG1. It is absent from gnomAD; Centrogen fixes PM2 at supporting strength following the ClinGen SVI recommendation. Computational evidence is concordant with a deleterious effect on the protein under the calibrated thresholds of Pejaver (2022) (PP3). The observed features are provided as HPO terms in the case-level data of this submission. The referring laboratory classified this variant as "of uncertain significance". Centrogen reinterpreted it on the basis of the biochemical phenotype, the co-occurrence with a pathogenic ARG1 allele and the computational evidence. Classification follows the ACMG/AMP point scale of Tavtigian (2020) with ClinGen SVI specifications, as described in Centrogen's assertion criteria document, where 6 to 9 points corresponds to likely pathogenic. Evidence applied: PS3_Supporting (+1), PM2 (+1), PM3_Strong (+4), PP3 (+1), PP4_Moderate (+2). Total 9 points. Classified as likely pathogenic. Note: This variant was found in clinical genetic testing performed by one or more labs who may also submit to ClinVar. Therefore, any internal case data may overlap with the internal case data of other submitters. The classification and rationale are that of Centrogen, Centro de Genomica y Genetica Clinica Guatemala.